The following is an entry in ClinVar:

NM_014921.5(ADGRL1):c.3847_3848delinsGG (p.Leu1283Gly)

Genes: ADGRL1 (adhesion G protein-coupled receptor L1; minus strand), ADGRL1-AS1 (ADGRL1 antisense RNA 1; plus strand). Cytogenetic location: 19p13.12.
Variant type: Indel.
Coding change: c.3847_3848delinsGG on transcript NM_014921.5 (MANE Select); coding-DNA positions 3847 to 3848, CT replaced by GG.
Protein change: p.Leu1283Gly; replaces leucine 1283 with glycine.
Molecular consequence: missense variant.
Genome position (GRCh38, 1-based): chr19:14,151,435-14,151,436, AG replaced by CC on the plus strand (CT replaced by GG on the coding strand, the reverse complement: ADGRL1 is on the minus strand). VCF-style: chr19-14151435-AG-CC. GRCh37 (hg19) VCF-style: chr19-14262247-AG-CC.
Other names: c.3862_3863delinsGG, p.Leu1288Gly (NM_001008701.3); short protein forms L1283G, L1288G.
Identifiers: ClinVar variation 4891412 (VCV004891412.1).

ClinVar aggregate classification (germline): Uncertain significance (1 of 4 stars; one submission).

Submission:

GeneDx
Classification: Uncertain significance. Last evaluated: 2023-11-06. Review status: criteria provided, single submitter. Criteria: GeneDx Variant Classification Process June 2021. Collection method: clinical testing. Allele origin: germline.
Comment: Not observed at significant frequency in large population cohorts (gnomAD); In silico analysis supports that this variant does not alter protein structure/function; Has not been previously published as pathogenic or benign to our knowledge; Variants in candidate genes are classified as variants of uncertain significance in accordance with ACMG guidelines (PMID: 25741868)